The following is an entry in ClinVar:

NM_003384.3(VRK1):c.726del (p.Asp243fs)

Gene: VRK1 (VRK serine/threonine kinase 1; plus strand). Cytogenetic location: 14q32.2.
Variant type: Deletion.
Coding change: c.726del on transcript NM_003384.3 (MANE Select); coding-DNA position 726, one base deleted (T; older notation c.726delT).
Protein change: p.Asp243fs; shifts the reading frame from aspartic acid 243.
Molecular consequence: frameshift variant.
Genome position (GRCh38, 1-based): chr14:96,856,146, T deleted. VCF-style (leftmost placement, unchanged base first): chr14-96856145-GT-G. GRCh37 (hg19) VCF-style: chr14-97322482-GT-G.
Other names: c.726del, p.Asp243fs (NM_001411051.1, NM_001411053.1); short protein forms D243fs.
Identifiers: ClinVar variation 5014250 (VCV005014250.1).

ClinVar aggregate classification (germline): Pathogenic (1 of 4 stars; one submission).

Conditions:
Pontocerebellar hypoplasia type 1A (PCH1A). Also called: PONTOCEREBELLAR HYPOPLASIA WITH ANTERIOR HORN CELL DISEASE; PONTOCEREBELLAR HYPOPLASIA WITH INFANTILE SPINAL MUSCULAR ATROPHY. Identifiers: Orphanet 2254, Orphanet 88616, MedGen C1843504, MONDO:0011866, OMIM 607596.

Submission:

Myriad Genetics, Inc.
Classification: Pathogenic for Pontocerebellar hypoplasia type 1A. Last evaluated: 2025-03-22. Review status: criteria provided, single submitter. Criteria: Myriad Autosomal Dominant, Autosomal Recessive and X-Linked Classification Criteria (2023). Collection method: clinical testing. Allele origin: unknown.
Comment: NM_003384.2(VRK1):c.726delT(D243Ifs*9) is expected to be pathogenic in the context of pontocerebellar hypoplasia, VRK1-related. This variant is predicted to lead to an abnormal or absent protein product due to the creation of a premature termination codon in VRK1, a gene where loss-of-function variants are known to be pathogenic. Please note: this variant was assessed in the context of healthy population screening.